The following is an entry in ClinVar:

NM_001374385.1(ATP8B1):c.1819+1G>A

Gene: ATP8B1 (ATPase phospholipid transporting 8B1; minus strand). Cytogenetic location: 18q21.31.
Variant type: single nucleotide variant.
Coding change: c.1819+1G>A on transcript NM_001374385.1 (MANE Select); the canonical splice donor site of the intron after coding-DNA position 1819, G replaced by A.
Molecular consequence: splice donor variant.
Genome position (GRCh38, 1-based): chr18:57,674,833, C>T on the plus strand (G>A on the coding strand, the complement: ATP8B1 is on the minus strand). VCF-style: chr18-57674833-C-T. GRCh37 (hg19) VCF-style: chr18-55342065-C-T.
Other names: c.1819+1G>A (NM_005603.6); c.1669+1G>A (NM_001374386.1).
Identifiers: ClinVar variation 2736745 (VCV002736745.4), dbSNP rs1467710236, ClinGen allele CA402560505.

ClinVar aggregate classification (germline): Pathogenic/Likely pathogenic. Review status: criteria provided, multiple submitters, no conflicts (2 of 4 stars). 2 submissions from 2 submitters: Pathogenic (1); Likely pathogenic (1). Last evaluated 2026-04-14.

Conditions:
Familial intrahepatic cholestasis. Identifiers: Orphanet 284385, MedGen CN296401, MONDO:0017290.

Submissions (2):

Genomenon, Inc
Classification: Pathogenic for Familial intrahepatic cholestasis. Last evaluated: 2026-04-14. Review status: criteria provided, single submitter. Criteria: Genomenon Sequence Variant Interpretation Standards - Updated. Collection method: curation. Allele origin: germline. Affected: yes.
Comment: ATP8B1 c.1819+1G>A is a canonical splice variant affecting the donor splice site of intron 16. It is predicted to affect mRNA splicing, leading to a deleterious effect on the ATP8B1 protein. This variant has been observed in at least one proband with features of ATP8B1-deficiency (PMID:20683201). It is absent or not present at a significant frequency in gnomAD. In conclusion, we classify ATP8B1 c.1819+1G>A as a pathogenic variant.

Labcorp Genetics (formerly Invitae), Labcorp
Classification: Likely pathogenic. Last evaluated: 2023-09-06. Review status: criteria provided, single submitter. Criteria: Invitae Variant Classification Sherloc (09022015). Collection method: clinical testing. Allele origin: germline.
Comment: This sequence change affects a donor splice site in intron 16 of the ATP8B1 gene. It is expected to disrupt RNA splicing. Variants that disrupt the donor or acceptor splice site typically lead to a loss of protein function (PMID: 16199547), and loss-of-function variants in ATP8B1 are known to be pathogenic (PMID: 15239083, 22525741). This variant is present in population databases (no rsID available, gnomAD 0.0009%). Disruption of this splice site has been observed in individual(s) with clinical features of progressive familial intrahepatic cholestasis (PMID: 20683201). Algorithms developed to predict the effect of sequence changes on RNA splicing suggest that this variant may disrupt the consensus splice site. In summary, the currently available evidence indicates that the variant is pathogenic, but additional data are needed to prove that conclusively. Therefore, this variant has been classified as Likely Pathogenic.

Literature cited by the submitters: PubMed 20683201 (cited by Genomenon, Inc and Labcorp Genetics (formerly Invitae), Labcorp); PubMed 16199547 (cited by Labcorp Genetics (formerly Invitae), Labcorp); PubMed 15239083 (cited by Labcorp Genetics (formerly Invitae), Labcorp); PubMed 22525741 (cited by Labcorp Genetics (formerly Invitae), Labcorp).